The following is an entry in ClinVar:

ClinVar aggregate classification (germline): Likely pathogenic (1 of 4 stars; one submission).

Conditions:
Mevalonic aciduria (MEVA). Identifiers: Orphanet 29, MedGen C1959626, MONDO:0012481, OMIM 610377.
Hyperimmunoglobulin D with periodic fever (HIDS). Also called: HYPERIMMUNOGLOBULINEMIA D AND PERIODIC FEVER SYNDROME; Hyperimmunoglobulinemia D; Hyperimmunoglobulinemia D with periodic fever. Identifiers: Orphanet 343, MedGen C0398691, MONDO:0009849, OMIM 260920.
Porokeratosis 3, disseminated superficial actinic type (POROK3). Also called: POROKERATOSIS 3, MULTIPLE TYPES; POROKERATOSIS 3, MIBELLI TYPE; POROKERATOSIS, DISSEMINATED SUPERFICIAL ACTINIC, 1. Identifiers: MedGen C1867981, MONDO:0008293, OMIM 175900.

Submission:

Labcorp Genetics (formerly Invitae), Labcorp
Classification: Likely pathogenic for Mevalonic aciduria; Hyperimmunoglobulin D with periodic fever; Porokeratosis 3, disseminated superficial actinic type. Last evaluated: 2020-04-29. Review status: criteria provided, single submitter. Criteria: Invitae Variant Classification Sherloc (09022015). Collection method: clinical testing. Allele origin: germline.
Comment: This variant is a complex rearrangement which results in the deletion of exon 3 and part of exon 2 of the MVK gene. This deletion is expected to disrupt RNA splicing and likely results in an absent or disrupted protein product. There is also some indication that the surrounding sequence could be disrupted, but the exact nature of this event is unknown. This variant has not been reported in the literature in individuals with MVK-related conditions. Loss-of-function variants in MVK are known to be pathogenic (PMID: 16835861, 17105862, 23834120). In summary, the currently available evidence indicates that the variant is pathogenic, but additional data are needed to prove that conclusively. Therefore, this variant has been classified as Likely Pathogenic.

Literature cited by the submitters: PubMed 16835861; PubMed 17105862; PubMed 23834120.

NC_000012.11:g.(?_110012646)_110013970del

Gene: MVK (mevalonate kinase; plus strand).
Variant type: Deletion.
Identifiers: ClinVar variation 1067488 (VCV001067488.2).